The following is an entry in ClinVar:

ClinVar aggregate classification (germline): Uncertain significance (1 of 4 stars; one submission).

Conditions:
Long QT syndrome (LQTS). Identifiers: MedGen C0023976, MeSH D008133, MONDO:0002442. Disease mechanism: loss of function. Inheritance: Various modes of inheritance.

Submission:

Labcorp Genetics (formerly Invitae), Labcorp
Classification: Uncertain significance for Long QT syndrome. Last evaluated: 2024-01-14. Review status: criteria provided, single submitter. Criteria: Invitae Variant Classification Sherloc (09022015). Collection method: clinical testing. Allele origin: unknown.
Comment: This variant results in a copy number gain of the genomic region encompassing exon(s) 46-47 of the CACNA1C gene. This region includes the termination codon of the gene. This copy number gain extends beyond the assayed region for this gene and therefore may encompass additional genes. As the precise location of this event is unknown, it may be in tandem or it may be located elsewhere in the genome. This variant has not been reported in the literature in individuals affected with CACNA1C-related conditions. Experimental studies and prediction algorithms are not available or were not evaluated, and the functional significance of this variant is currently unknown. In summary, the available evidence is currently insufficient to determine the role of this variant in disease. Therefore, it has been classified as a Variant of Uncertain Significance.

NC_000012.11:g.(?_2797593)_(2800365_?)dup

Gene: CACNA1C (calcium voltage-gated channel subunit alpha1 C; plus strand). Cytogenetic location: 12p13.33.
Variant type: Duplication.
Identifiers: ClinVar variation 3244233 (VCV003244233.1).